The following is an entry in ClinVar:

NM_000051.4(ATM):c.4123G>T (p.Ala1375Ser)

Gene: ATM (ATM serine/threonine kinase; plus strand). Cytogenetic location: 11q22.3.
Variant type: single nucleotide variant.
Coding change: c.4123G>T on transcript NM_000051.4 (MANE Select); coding-DNA position 4123, G replaced by T.
Protein change: p.Ala1375Ser; replaces alanine 1375 with serine.
Molecular consequence: missense variant.
Genome position (GRCh38, 1-based): chr11:108,288,990, G>T. VCF-style: chr11-108288990-G-T. GRCh37 (hg19) VCF-style: chr11-108159717-G-T.
Other names: c.4123G>T, p.Ala1375Ser (NM_001351834.2); short protein forms A1375S.
Identifiers: ClinVar variation 1172464 (VCV001172464.3), dbSNP rs2135750720, ClinGen allele CA382529801.

ClinVar aggregate classification (germline): Uncertain significance (1 of 4 stars; one submission).

Conditions:
Hereditary cancer-predisposing syndrome. Also called: Tumor predisposition; Hereditary neoplastic syndrome; Hereditary Cancer Syndrome; Neoplastic Syndromes, Hereditary. Identifiers: Orphanet 140162, MedGen C0027672, MeSH D009386, MONDO:0015356.

Allele frequency attached by ClinVar (database versions not stated): gnomAD exomes below 0.00001.
gnomAD v4.1: 1 of 1,613,526 alleles (0.000062%); highest among the groups gnomAD compares: Non-Finnish European, 0.000085%; no homozygotes.

Submission:

Color Diagnostics, LLC DBA Color Health
Classification: Uncertain significance for Hereditary cancer-predisposing syndrome. Last evaluated: 2024-03-06. Review status: criteria provided, single submitter. Criteria: ACMG Guidelines, 2015. Collection method: clinical testing. Allele origin: germline.
Comment: This missense variant replaces alanine with serine at codon 1375 of the ATM protein. Computational prediction suggests that this variant may not impact protein structure and function (internally defined REVEL score threshold <= 0.5, PMID: 27666373). To our knowledge, functional studies have not been reported for this variant. This variant has not been reported in individuals affected with hereditary cancer in the literature. This variant has not been identified in the general population by the Genome Aggregation Database (gnomAD). The available evidence is insufficient to determine the role of this variant in disease conclusively. Therefore, this variant is classified as a Variant of Uncertain Significance.